The following is an entry in ClinVar:

ClinVar aggregate classification (germline): Uncertain significance (1 of 4 stars; one submission).

Conditions:
Familial cancer of breast. Also called: Hereditary breast cancer; BREAST CANCER, FAMILIAL; hereditary breast carcinoma. Identifiers: Orphanet 227535, MedGen C0346153, MONDO:0016419, OMIM 114480. Disease mechanism: loss of function.

Submission:

Labcorp Genetics (formerly Invitae), Labcorp
Classification: Uncertain significance for Familial cancer of breast. Last evaluated: 2023-12-22. Review status: criteria provided, single submitter. Criteria: Invitae Variant Classification Sherloc (09022015). Collection method: clinical testing. Allele origin: germline.
Comment: This sequence change replaces methionine, which is neutral and non-polar, with leucine, which is neutral and non-polar, at codon 26 of the BARD1 protein (p.Met26Leu). This variant is not present in population databases (gnomAD no frequency). This variant has not been reported in the literature in individuals affected with BARD1-related conditions. ClinVar contains an entry for this variant (Variation ID: 967026). An algorithm developed to predict the effect of missense changes on protein structure and function (PolyPhen-2) suggests that this variant is likely to be tolerated. In summary, the available evidence is currently insufficient to determine the role of this variant in disease. Therefore, it has been classified as a Variant of Uncertain Significance.

NM_000465.4(BARD1):c.76A>T (p.Met26Leu)

Gene: BARD1 (BRCA1 associated RING domain 1; minus strand). Cytogenetic location: 2q35.
Variant type: single nucleotide variant.
Coding change: c.76A>T on transcript NM_000465.4 (MANE Select); coding-DNA position 76, A replaced by T.
Protein change: p.Met26Leu; replaces methionine 26 with leucine.
Molecular consequence: missense variant. On other transcripts: non-coding transcript variant (3).
Genome position (GRCh38, 1-based): chr2:214,809,494, T>A on the plus strand (A>T on the coding strand, the complement: BARD1 is on the minus strand). VCF-style: chr2-214809494-T-A. GRCh37 (hg19) VCF-style: chr2-215674218-T-A.
Other names: c.76A>T, p.Met26Leu (NM_001282543.2, NM_001282545.2, NM_001282548.2 and 1 more transcripts); short protein forms M26L.
Identifiers: ClinVar variation 967026 (VCV000967026.10), dbSNP rs587781570, ClinGen allele CA350465148.